The following is an entry in ClinVar:

ClinVar aggregate classification (germline): Pathogenic (1 of 4 stars; one submission).

Submission:

Labcorp Genetics (formerly Invitae), Labcorp
Classification: Pathogenic. Last evaluated: 2024-10-11. Review status: criteria provided, single submitter. Criteria: Invitae Variant Classification Sherloc (09022015). Collection method: clinical testing. Allele origin: germline.
Comment: This sequence change creates a premature translational stop signal (p.Arg652*) in the RFX6 gene. It is expected to result in an absent or disrupted protein product. Loss-of-function variants in RFX6 are known to be pathogenic (PMID: 20148032). This variant is present in population databases (rs188704301, gnomAD 0.007%). This premature translational stop signal has been observed in individual(s) with maturity-onset diabetes mellitus (PMID: 29026101, 33721395). For these reasons, this variant has been classified as Pathogenic.

Literature cited by the submitters: PubMed 20148032; PubMed 29026101; PubMed 33721395.

NM_173560.4(RFX6):c.1954C>T (p.Arg652Ter)

Gene: RFX6 (regulatory factor X6; plus strand). Cytogenetic location: 6q22.1.
Variant type: single nucleotide variant.
Coding change: c.1954C>T on transcript NM_173560.4 (MANE Select); coding-DNA position 1954, C replaced by T.
Protein change: p.Arg652Ter; replaces arginine 652 with a stop codon.
Molecular consequence: nonsense.
Genome position (GRCh38, 1-based): chr6:116,927,095, C>T. VCF-style: chr6-116927095-C-T. GRCh37 (hg19) VCF-style: chr6-117248258-C-T.
Other names: short protein forms R652*.
Identifiers: ClinVar variation 3720712 (VCV003720712.2).